The following is an entry in ClinVar:

NM_153240.5(NPHP3):c.1706C>G (p.Ser569Ter)

Genes: NPHP3 (nephrocystin 3; minus strand), NPHP3-ACAD11 (NPHP3-ACAD11 readthrough (NMD candidate); minus strand). Cytogenetic location: 3q22.1.
Variant type: single nucleotide variant.
Coding change: c.1706C>G on transcript NM_153240.5 (MANE Select); coding-DNA position 1706, C replaced by G.
Protein change: p.Ser569Ter; replaces serine 569 with a stop codon.
Molecular consequence: nonsense. On other transcripts: non-coding transcript variant (1).
Genome position (GRCh38, 1-based): chr3:132,700,371, G>C on the plus strand (C>G on the coding strand, the complement: NPHP3 is on the minus strand). VCF-style: chr3-132700371-G-C. GRCh37 (hg19) VCF-style: chr3-132419215-G-C.
Other names: short protein forms S569*.
Identifiers: ClinVar variation 2126113 (VCV002126113.4), dbSNP rs1240851280, ClinGen allele CA354582985.

ClinVar aggregate classification (germline): Pathogenic (1 of 4 stars; one submission).

Conditions:
Nephronophthisis. Also called: Juvenile Nephronophthisis. Identifiers: Orphanet 655, MedGen C0687120, MONDO:0019005, HP:0000090.

Allele frequency attached by ClinVar (database versions not stated): TOPMed below 0.00001; gnomAD 0.00001.
gnomAD v4.1: 2 of 1,612,880 alleles (0.00012%); highest among the groups gnomAD compares: African/African-American, 0.0027%; no homozygotes.

Submission:

Labcorp Genetics (formerly Invitae), Labcorp
Classification: Pathogenic for Nephronophthisis. Last evaluated: 2022-07-21. Review status: criteria provided, single submitter. Criteria: Invitae Variant Classification Sherloc (09022015). Collection method: clinical testing. Allele origin: germline.
Comment: For these reasons, this variant has been classified as Pathogenic. This variant has not been reported in the literature in individuals affected with NPHP3-related conditions. This variant is not present in population databases (gnomAD no frequency). This sequence change creates a premature translational stop signal (p.Ser569*) in the NPHP3 gene. It is expected to result in an absent or disrupted protein product. Loss-of-function variants in NPHP3 are known to be pathogenic (PMID: 18371931, 23559409).

Literature cited by the submitters: PubMed 18371931; PubMed 23559409.